The following is an entry in ClinVar:

ClinVar aggregate classification (germline): Uncertain significance. Review status: criteria provided, multiple submitters, no conflicts (2 of 4 stars). 3 submissions from 3 submitters: Uncertain significance (3). Last evaluated 2026-07-21.

Conditions:
Hereditary cancer-predisposing syndrome. Also called: Neoplastic Syndromes, Hereditary; Tumor predisposition; Hereditary Cancer Syndrome; Hereditary neoplastic syndrome. Identifiers: Orphanet 140162, MedGen C0027672, MeSH D009386, MONDO:0015356.
Ataxia-telangiectasia syndrome (AT). Also called: Ataxia telangiectasia (A-T); ATAXIA-TELANGIECTASIA, COMPLEMENTATION GROUP A; ATAXIA-TELANGIECTASIA, FRESNO VARIANT; Ataxia-telangiectasia; Ataxia-telangiectasia, complementation group E; LOUIS-BAR SYNDROME. Identifiers: Orphanet 100, MedGen C0004135, MONDO:0008840, OMIM 208900.

Submissions (3):

Ambry Genetics
Classification: Uncertain significance for Hereditary cancer-predisposing syndrome. Last evaluated: 2026-07-21. Review status: criteria provided, single submitter. Criteria: Ambry Variant Classification Scheme 2023. Collection method: clinical testing. Allele origin: germline.
Comment: The p.W2291C variant (also known as c.6873G>C), located in coding exon 46 of the ATM gene, results from a G to C substitution at nucleotide position 6873. The tryptophan at codon 2291 is replaced by cysteine, an amino acid with highly dissimilar properties. In an assay testing ATM function, this variant showed a functionally indeterminant result (Lee KS et al. Cell, 2025 Sep;188:5081-5099.e27). This amino acid position is highly conserved in available vertebrate species. In addition, this alteration is predicted to be deleterious by in silico analysis. Based on the available evidence, the clinical significance of this variant remains unclear.

Color Diagnostics, LLC DBA Color Health
Classification: Uncertain significance for Hereditary cancer-predisposing syndrome. Last evaluated: 2024-03-06. Review status: criteria provided, single submitter. Criteria: ACMG Guidelines, 2015. Collection method: clinical testing. Allele origin: germline.
Comment: This missense variant replaces tryptophan with cysteine at codon 2291 of the ATM protein. Computational prediction suggests that this variant may have deleterious impact on protein structure and function (internally defined REVEL score threshold >= 0.7, PMID: 27666373). To our knowledge, functional studies have not been reported for this variant. This variant has not been reported in individuals affected with hereditary cancer in the literature. This variant has not been identified in the general population by the Genome Aggregation Database (gnomAD). The available evidence is insufficient to determine the role of this variant in disease conclusively. Therefore, this variant is classified as a Variant of Uncertain Significance.

Labcorp Genetics (formerly Invitae), Labcorp
Classification: Uncertain significance for Ataxia-telangiectasia syndrome. Last evaluated: 2022-04-29. Review status: criteria provided, single submitter. Criteria: Invitae Variant Classification Sherloc (09022015). Collection method: clinical testing. Allele origin: germline.
Comment: This sequence change replaces tryptophan, which is neutral and slightly polar, with cysteine, which is neutral and slightly polar, at codon 2291 of the ATM protein (p.Trp2291Cys). This variant is not present in population databases (gnomAD no frequency). This variant has not been reported in the literature in individuals affected with ATM-related conditions. ClinVar contains an entry for this variant (Variation ID: 1171795). Advanced modeling of protein sequence and biophysical properties (such as structural, functional, and spatial information, amino acid conservation, physicochemical variation, residue mobility, and thermodynamic stability) performed at Invitae indicates that this missense variant is not expected to disrupt ATM protein function. In summary, the available evidence is currently insufficient to determine the role of this variant in disease. Therefore, it has been classified as a Variant of Uncertain Significance.

Literature cited by the submitters: PubMed 40580951 (cited by Ambry Genetics).

NM_000051.4(ATM):c.6873G>C (p.Trp2291Cys)

Genes: C11orf65 (chromosome 11 open reading frame 65; minus strand), ATM (ATM serine/threonine kinase; plus strand). Cytogenetic location: 11q22.3.
Variant type: single nucleotide variant.
Coding change: c.6873G>C on transcript NM_000051.4 (MANE Select); coding-DNA position 6873, G replaced by C.
Protein change: p.Trp2291Cys; replaces tryptophan 2291 with cysteine.
Molecular consequence: missense variant. On other transcripts: intron variant (2).
Genome position (GRCh38, 1-based): chr11:108,326,123, G>C. VCF-style: chr11-108326123-G-C. GRCh37 (hg19) VCF-style: chr11-108196850-G-C.
Other names: c.6873G>C, p.Trp2291Cys (NM_001351834.2); c.641-17052C>G (NM_001330368.2); c.*38+9097C>G (NM_001351110.2); short protein forms W2291C.
Identifiers: ClinVar variation 1171795 (VCV001171795.10), dbSNP rs2136334606, ClinGen allele CA382556785.
Genomic context (GRCh38, chr11:108,326,123, plus strand): 5'-TGAAAGGGCAATATTTCAAATTAAACAGTACAATTCAGTTAGCTGTGGAGTCTCTGAGTG[G>C]CAGCTGGAAGAAGCACAAGTATTCTGGGCAAAAAAGGAGCAGAGTCTTGCCCTGAGTATT-3'
Protein context (NP_000042.3, residues 2281-2301): YNSVSCGVSE[Trp2291Cys]QLEEAQVFWA